The following is an entry in ClinVar:

ClinVar aggregate classification (germline): Uncertain significance (1 of 4 stars; one submission).

Conditions:
Inborn genetic diseases. Identifiers: MedGen C0950123, MeSH D030342.

Allele frequency attached by ClinVar (database versions not stated): gnomAD exomes below 0.00001; ExAC 0.00001.
gnomAD v4.1: 6 of 1,612,586 alleles (0.00037%); highest among the groups gnomAD compares: South Asian, 0.0011%; no homozygotes.

Submission:

Ambry Genetics
Classification: Uncertain significance for Inborn genetic diseases. Last evaluated: 2023-01-03. Review status: criteria provided, single submitter. Criteria: Ambry Variant Classification Scheme 2023. Collection method: clinical testing. Allele origin: germline.
Comment: The p.R2442H variant (also known as c.7325G>A), located in coding exon 49 of the LRRK2 gene, results from a G to A substitution at nucleotide position 7325. The arginine at codon 2442 is replaced by histidine, an amino acid with highly similar properties. This amino acid position is conserved. In addition, this alteration is predicted to be tolerated by in silico analysis. Since supporting evidence is limited at this time, the clinical significance of this alteration remains unclear.

NM_198578.4(LRRK2):c.7325G>A (p.Arg2442His)

Gene: LRRK2 (leucine rich repeat kinase 2; plus strand). Cytogenetic location: 12q12.
Variant type: single nucleotide variant.
Coding change: c.7325G>A on transcript NM_198578.4 (MANE Select); coding-DNA position 7325, G replaced by A.
Protein change: p.Arg2442His; replaces arginine 2442 with histidine.
Molecular consequence: missense variant.
Genome position (GRCh38, 1-based): chr12:40,364,985, G>A. VCF-style: chr12-40364985-G-A. GRCh37 (hg19) VCF-style: chr12-40758787-G-A.
Other names: short protein forms R2442H.
Identifiers: ClinVar variation 2447274 (VCV002447274.2), dbSNP rs749224394, ClinGen allele CA6514897.